The following is an entry in ClinVar:

NM_015047.3(EMC1):c.1759T>C (p.Cys587Arg)

Genes: EMC1 (ER membrane protein complex subunit 1; minus strand), EMC1-AS1 (EMC1 antisense RNA 1; plus strand). Cytogenetic location: 1p36.13.
Variant type: single nucleotide variant.
Coding change: c.1759T>C on transcript NM_015047.3 (MANE Select); coding-DNA position 1759, T replaced by C.
Protein change: p.Cys587Arg; replaces cysteine 587 with arginine.
Molecular consequence: missense variant.
Genome position (GRCh38, 1-based): chr1:19,232,647, A>G on the plus strand (T>C on the coding strand, the complement: EMC1 is on the minus strand). VCF-style: chr1-19232647-A-G. GRCh37 (hg19) VCF-style: chr1-19559141-A-G.
Other names: c.1756T>C, p.Cys586Arg (NM_001271427.2, NM_001271428.2); c.1693T>C, p.Cys565Arg (NM_001271429.2); c.1768T>C, p.Cys590Arg (NM_001375820.1); c.1765T>C, p.Cys589Arg (NM_001375821.1); short protein forms C565R, C586R, C587R, C589R, C590R.
Identifiers: ClinVar variation 1008415 (VCV001008415.8), dbSNP rs201264850, ClinGen allele CA18815869.

ClinVar aggregate classification (germline): Uncertain significance (1 of 4 stars; one submission).

Allele frequency attached by ClinVar (database versions not stated): gnomAD exomes 0.00001.

Submission:

Labcorp Genetics (formerly Invitae), Labcorp
Classification: Uncertain significance. Last evaluated: 2025-03-17. Review status: criteria provided, single submitter. Criteria: Invitae Variant Classification Sherloc (09022015). Collection method: clinical testing. Allele origin: germline.
Comment: This sequence change replaces cysteine, which is neutral and slightly polar, with arginine, which is basic and polar, at codon 587 of the EMC1 protein (p.Cys587Arg). This variant is not present in population databases (gnomAD no frequency). This variant has not been reported in the literature in individuals affected with EMC1-related conditions. ClinVar contains an entry for this variant (Variation ID: 1008415). Invitae Evidence Modeling of protein sequence and biophysical properties (such as structural, functional, and spatial information, amino acid conservation, physicochemical variation, residue mobility, and thermodynamic stability) indicates that this missense variant is expected to disrupt EMC1 protein function with a positive predictive value of 80%. In summary, the available evidence is currently insufficient to determine the role of this variant in disease. Therefore, it has been classified as a Variant of Uncertain Significance.